The following is an entry in ClinVar:

ClinVar aggregate classification (germline): Pathogenic. Review status: criteria provided, multiple submitters, no conflicts (2 of 4 stars). 4 submissions from 4 submitters: Pathogenic (3). 1 of the submissions does not count toward it. Last evaluated 2025-12-30.

Conditions:
PKD1-related disorder. Also called: PKD1-related condition.
Polycystic kidney disease, adult type (PKD1). Also called: Polycystic Kidney Disease 1, Autosomal Dominant; Polycystic kidney disease 1; Polycystic kidney disease 1, severe; Polycystic Kidney, Autosomal Dominant; POLYCYSTIC KIDNEY DISEASE 1 WITH OR WITHOUT POLYCYSTIC LIVER DISEASE; POLYCYSTIC KIDNEY DISEASE, ADULT, TYPE I. Identifiers: MedGen C3149841, MONDO:0008263, OMIM 173900.

Submissions (4):

Department of Human Genetics, Hannover Medical School
Classification: Pathogenic for Polycystic kidney disease, adult type. Last evaluated: 2025-12-30. Review status: criteria provided, single submitter. Criteria: ACMG Guidelines, 2015. Collection method: clinical testing. Allele origin: germline. Affected: yes.
Comment: PVS1, PM2_Supporting, PP4_Strong

GeneDx
Classification: Pathogenic. Last evaluated: 2023-04-12. Review status: criteria provided, single submitter. Criteria: GeneDx Variant Classification Process June 2021. Collection method: clinical testing. Allele origin: germline. Affected: yes.
Comment: Nonsense variant predicted to result in protein truncation or nonsense mediated decay in a gene for which loss of function is a known mechanism of disease; Not observed at significant frequency in large population cohorts (gnomAD); This variant is associated with the following publications: (PMID: 31740684, 30586318, 23300259)

Blueprint Genetics
Classification: Pathogenic for PKD1-related disorders. Last evaluated: 2021-04-23. Review status: criteria provided, single submitter. Criteria: ACMG Guidelines, 2015. Collection method: clinical testing. Allele origin: germline. Affected: yes. Observed: 1 variant allele.

Gharavi Laboratory, Columbia University
Classification: Pathogenic. Last evaluated: 2018-09-16. Review status: no assertion criteria provided. Criteria: ACMG Guidelines, 2015. Collection method: research. Allele origin: germline. Affected: yes. Not counted in ClinVar's aggregate classification.

NM_001009944.3(PKD1):c.5707C>T (p.Gln1903Ter)

Gene: PKD1 (polycystin 1, transient receptor potential channel interacting; minus strand). Cytogenetic location: 16p13.3.
Variant type: single nucleotide variant.
Coding change: c.5707C>T on transcript NM_001009944.3 (MANE Select); coding-DNA position 5707, C replaced by T.
Protein change: p.Gln1903Ter; replaces glutamine 1903 with a stop codon.
Molecular consequence: nonsense.
Genome position (GRCh38, 1-based): chr16:2,109,460, G>A on the plus strand (C>T on the coding strand, the complement: PKD1 is on the minus strand). VCF-style: chr16-2109460-G-A. GRCh37 (hg19) VCF-style: chr16-2159461-G-A.
Other names: c.5707C>T (NM_001009944.2); c.5707C>T, p.Gln1903Ter (NM_000296.4); short protein forms Q1903*.
Identifiers: ClinVar variation 562264 (VCV000562264.4), dbSNP rs942694907, ClinGen allele CA394375826.